The following is an entry in ClinVar:

NM_000179.3(MSH6):c.1063G>C (p.Gly355Arg)

Gene: MSH6 (mutS homolog 6; plus strand). Cytogenetic location: 2p16.3.
Variant type: single nucleotide variant.
Coding change: c.1063G>C on transcript NM_000179.3 (MANE Select); coding-DNA position 1063, G replaced by C.
Protein change: p.Gly355Arg; replaces glycine 355 with arginine.
Molecular consequence: missense variant.
Genome position (GRCh38, 1-based): chr2:47,799,046, G>C. VCF-style: chr2-47799046-G-C. GRCh37 (hg19) VCF-style: chr2-48026185-G-C.
Other names: c.673G>C, p.Gly225Arg (NM_001281492.2); c.157G>C, p.Gly53Arg (NM_001281493.2, NM_001281494.2); short protein forms G355R, G53R, G225R.
Identifiers: ClinVar variation 455110 (VCV000455110.13), dbSNP rs587778531, ClinGen allele CA346741623.
Genomic context (GRCh38, chr2:47,799,046, plus strand): 5'-AATACTTTGAGAGCTTTCTCTGCCCCTCAAAATTCTGAATCCCAAGCCCACGTTAGTGGA[G>C]GTGGTGATGACAGTAGTCGCCCTACTGTTTGGTATCATGAAACTTTAGAATGGCTTAAGG-3'
Protein context (NP_000170.1, residues 345-365): NSESQAHVSG[Gly355Arg]GDDSSRPTVW

ClinVar aggregate classification (germline): Conflicting classifications of pathogenicity. Review status: criteria provided, conflicting classifications (1 of 4 stars). 4 submissions from 4 submitters: Uncertain significance (3); Likely benign (1). Last evaluated 2025-07-30.

Conditions:
Hereditary nonpolyposis colorectal neoplasms. Identifiers: MedGen C0009405, MeSH D003123.
Hereditary cancer-predisposing syndrome. Also called: Hereditary Cancer Syndrome; Hereditary neoplastic syndrome; Neoplastic Syndromes, Hereditary; Tumor predisposition. Identifiers: Orphanet 140162, MedGen C0027672, MeSH D009386, MONDO:0015356.
Lynch syndrome. Identifiers: Orphanet 144, MedGen C4552100, MONDO:0005835. Disease mechanism: loss of function.

Submissions (4):

Color Diagnostics, LLC DBA Color Health
Classification: Likely benign for Hereditary cancer-predisposing syndrome. Last evaluated: 2025-07-30. Review status: criteria provided, single submitter. Criteria: ACMG Guidelines, 2015. Collection method: clinical testing. Allele origin: germline.

Labcorp Genetics (formerly Invitae), Labcorp
Classification: Uncertain significance for Hereditary nonpolyposis colorectal neoplasms. Last evaluated: 2024-02-06. Review status: criteria provided, single submitter. Criteria: Invitae Variant Classification Sherloc (09022015). Collection method: clinical testing. Allele origin: germline.
Comment: This sequence change replaces glycine, which is neutral and non-polar, with arginine, which is basic and polar, at codon 355 of the MSH6 protein (p.Gly355Arg). This variant is not present in population databases (gnomAD no frequency). This variant has not been reported in the literature in individuals affected with MSH6-related conditions. ClinVar contains an entry for this variant (Variation ID: 455110). Advanced modeling of protein sequence and biophysical properties (such as structural, functional, and spatial information, amino acid conservation, physicochemical variation, residue mobility, and thermodynamic stability) performed at Invitae indicates that this missense variant is not expected to disrupt MSH6 protein function with a negative predictive value of 95%. In summary, the available evidence is currently insufficient to determine the role of this variant in disease. Therefore, it has been classified as a Variant of Uncertain Significance.

Ambry Genetics
Classification: Uncertain significance for Hereditary cancer-predisposing syndrome. Last evaluated: 2023-07-27. Review status: criteria provided, single submitter. Criteria: Ambry Variant Classification Scheme 2023. Collection method: clinical testing. Allele origin: germline.
Comment: The p.G355R variant (also known as c.1063G>C), located in coding exon 4 of the MSH6 gene, results from a G to C substitution at nucleotide position 1063. The glycine at codon 355 is replaced by arginine, an amino acid with dissimilar properties. This amino acid position is not well conserved in available vertebrate species. In addition, this alteration is predicted to be tolerated by in silico analysis. Since supporting evidence is limited at this time, the clinical significance of this alteration remains unclear.

All of Us Research Program, National Institutes of Health
Classification: Uncertain significance for Lynch syndrome. Last evaluated: 2023-05-04. Review status: criteria provided, single submitter. Criteria: ACMG Guidelines, 2015. Collection method: clinical testing. Allele origin: germline. Inheritance: Autosomal dominant inheritance. Observed: 1 variant allele, 1 heterozygote.
Comment: This missense variant replaces glycine with arginine at codon 355 of the MSH6 protein. Computational prediction suggests that this variant may not impact protein structure and function (internally defined REVEL score threshold <= 0.5, PMID: 27666373). To our knowledge, functional studies have not been reported for this variant. This variant has not been reported in individuals affected with MSH6-related disorders in the literature. This variant has not been identified in the general population by the Genome Aggregation Database (gnomAD). The available evidence is insufficient to determine the role of this variant in disease conclusively. Therefore, this variant is classified as a Variant of Uncertain Significance.

This study involves interpretation of variants in research participants for the purpose of population health screening. Participant phenotype was not available at the time of variant classification. Additional details can be found in publication PMID: 35346344, PMCID: PMC8962531